The following is an entry in ClinVar:

ClinVar aggregate classification (germline): Likely pathogenic (1 of 4 stars; one submission).

Submission:

Labcorp Genetics (formerly Invitae), Labcorp
Classification: Likely pathogenic. Last evaluated: 2025-03-15. Review status: criteria provided, single submitter. Criteria: Invitae Variant Classification Sherloc (09022015). Collection method: clinical testing. Allele origin: germline.
Comment: This sequence change affects a donor splice site in intron 15 of the DENND5A gene. It is expected to disrupt RNA splicing. Variants that disrupt the donor or acceptor splice site typically lead to a loss of protein function (PMID: 16199547), and loss-of-function variants in DENND5A are known to be pathogenic (PMID: 27431290, 27866705). This variant is not present in population databases (gnomAD no frequency). This variant has not been reported in the literature in individuals affected with DENND5A-related conditions. Algorithms developed to predict the effect of sequence changes on RNA splicing suggest that this variant may disrupt the consensus splice site. In summary, the currently available evidence indicates that the variant is pathogenic, but additional data are needed to prove that conclusively. Therefore, this variant has been classified as Likely Pathogenic.

Literature cited by the submitters: PubMed 16199547; PubMed 27431290; PubMed 27866705.

NM_015213.4(DENND5A):c.2735+2T>C

Gene: DENND5A (DENN domain containing 5A; minus strand). Cytogenetic location: 11p15.4.
Variant type: single nucleotide variant.
Coding change: c.2735+2T>C on transcript NM_015213.4 (MANE Select); the canonical splice donor site of the intron after coding-DNA position 2735, T replaced by C.
Molecular consequence: splice donor variant.
Genome position (GRCh38, 1-based): chr11:9,150,079, A>G on the plus strand (T>C on the coding strand, the complement: DENND5A is on the minus strand). VCF-style: chr11-9150079-A-G. GRCh37 (hg19) VCF-style: chr11-9171626-A-G.
Other names: c.2663+2T>C (NM_001348749.2); c.2735+2T>C (NM_001243254.2); c.2447+2T>C (NM_001348750.2).
Identifiers: ClinVar variation 4715123 (VCV004715123.1).